The following is an entry in ClinVar:

ClinVar aggregate classification (germline): Uncertain significance (1 of 4 stars; one submission).

Allele frequency attached by ClinVar (database versions not stated): gnomAD exomes below 0.00001.
gnomAD v4.1: 1 of 1,614,210 alleles (0.000062%); highest among the groups gnomAD compares: Non-Finnish European, 0.000085%; no homozygotes.

Submission:

Labcorp Genetics (formerly Invitae), Labcorp
Classification: Uncertain significance. Last evaluated: 2019-10-31. Review status: criteria provided, single submitter. Criteria: Invitae Variant Classification Sherloc (09022015). Collection method: clinical testing. Allele origin: germline.
Comment: In summary, the available evidence is currently insufficient to determine the role of this variant in disease. Therefore, it has been classified as a Variant of Uncertain Significance. Algorithms developed to predict the effect of missense changes on protein structure and function are either unavailable or do not agree on the potential impact of this missense change (SIFT: "Deleterious"; PolyPhen-2: "Possibly Damaging"; Align-GVGD: "Class C15"). This variant has not been reported in the literature in individuals with PCARE-related conditions. This variant is not present in population databases (ExAC no frequency). This sequence change replaces glutamine with histidine at codon 157 of the PCARE protein (p.Gln157His). The glutamine residue is highly conserved and there is a small physicochemical difference between glutamine and histidine.

NM_001029883.3(PCARE):c.471G>C (p.Gln157His)

Gene: PCARE (photoreceptor cilium actin regulator; minus strand). Cytogenetic location: 2p23.2.
Variant type: single nucleotide variant.
Coding change: c.471G>C on transcript NM_001029883.3 (MANE Select); coding-DNA position 471, G replaced by C.
Protein change: p.Gln157His; replaces glutamine 157 with histidine.
Molecular consequence: missense variant.
Genome position (GRCh38, 1-based): chr2:29,073,791, C>G on the plus strand (G>C on the coding strand, the complement: PCARE is on the minus strand). VCF-style: chr2-29073791-C-G. GRCh37 (hg19) VCF-style: chr2-29296657-C-G.
Other names: short protein forms Q157H.
Identifiers: ClinVar variation 959304 (VCV000959304.9), dbSNP rs1667539639, ClinGen allele CA346482228.
Genomic context (GRCh38, chr2:29,073,791, plus strand): 5'-CGGGAAGTCCACTTTGCCTTCAGGCTCATGAGCAGGGTGGATGGTTTGGTAGCAGTGGCT[C>G]TGTGTGCTTGACGTGTGACATTTTGCTGTCCTTTTCCATTTGGAAGTATCTTGGGTACTA-3'
Protein context (NP_001025054.1, residues 147-167): RTAKCHTSST[Gln157His]SHCYQTIHPA